The following is an entry in ClinVar:

ClinVar aggregate classification (germline): Pathogenic (1 of 4 stars; one submission).

Submission:

GeneDx
Classification: Pathogenic. Last evaluated: 2015-01-02. Review status: criteria provided, single submitter. Criteria: GeneDx Variant Classification (06012015). Collection method: clinical testing. Allele origin: germline. Affected: yes.
Comment: c.1518_1522delGAAAG: p.Lys507AlafsX9 (K507AfsX9) in exon 10 of the SCN1A gene (NM_001165963.1). The normal sequence with the bases that are deleted in braces is: AACA{GAAAG}AGCA.The c.1518_1522delGAAAG mutation in the SCN1A gene causes a frameshift starting with codon Lysine 507 changes this amino acid to an Alanine residue and creates a premature Stop codon at position 9 of the new reading frame, denoted p.Lys507AlafsX9. This mutation is predicted to cause loss of normal protein function either through protein truncation or nonsense-mediated mRNA decay. Although this mutation has not been previously reported to our knowledge, other nearby frameshift mutations have been reported in SCN1A in association with epilepsy. Therefore, the presence of c.1518_1522delGAAAG is consistent with a diagnosis of an SCN1A-related disorder. The variant is found in STAT-EPIV2-1 panel(s).

NM_001165963.4(SCN1A):c.1518_1522del (p.Lys507fs)

Gene: SCN1A (sodium voltage-gated channel alpha subunit 1; minus strand). Cytogenetic location: 2q24.3.
Variant type: Deletion.
Coding change: c.1518_1522del on transcript NM_001165963.4 (MANE Select); coding-DNA positions 1518 to 1522, 5 bases deleted (GAAAG; older notation c.1518_1522delGAAAG).
Protein change: p.Lys507fs; shifts the reading frame from lysine 507.
Molecular consequence: frameshift variant. On other transcripts: 5 prime UTR variant (1), non-coding transcript variant (1).
Genome position (GRCh38, 1-based): chr2:166,045,183-166,045,187, CTTTC deleted on the plus strand (GAAAG on the coding strand, the reverse complement: SCN1A is on the minus strand). VCF-style (leftmost placement, unchanged base first): chr2-166045182-TCTTTC-T. GRCh37 (hg19) VCF-style: chr2-166901692-TCTTTC-T.
Other names: c.1518_1522del, p.Lys507fs (NM_001165964.3, NM_001202435.3, NM_001353948.2 and 7 more transcripts); c.1515_1519del, p.Lys506fs (NM_001353954.2, NM_001353955.2, NM_001353960.2); c.-908_-904del (NM_001353961.2); short protein forms K506fs, K507fs.
Identifiers: ClinVar variation 206896 (VCV000206896.1), dbSNP rs796053058, ClinGen allele CA317702.